The following is an entry in ClinVar:

NM_000512.5(GALNS):c.302A>G (p.Asn101Ser)

Gene: GALNS (galactosamine (N-acetyl)-6-sulfatase; minus strand). Cytogenetic location: 16q24.3.
Variant type: single nucleotide variant.
Coding change: c.302A>G on transcript NM_000512.5 (MANE Select); coding-DNA position 302, A replaced by G.
Protein change: p.Asn101Ser; replaces asparagine 101 with serine.
Molecular consequence: missense variant. On other transcripts: 5 prime UTR variant (1).
Genome position (GRCh38, 1-based): chr16:88,841,914, T>C on the plus strand (A>G on the coding strand, the complement: GALNS is on the minus strand). VCF-style: chr16-88841914-T-C. GRCh37 (hg19) VCF-style: chr16-88908322-T-C.
Other names: c.-254A>G (NM_001323543.2); c.320A>G, p.Asn107Ser (NM_001323544.2); short protein forms N101S, N107S.
Identifiers: ClinVar variation 4693875 (VCV004693875.1).

ClinVar aggregate classification (germline): Uncertain significance (1 of 4 stars; one submission).

Conditions:
Mucopolysaccharidosis, MPS-IV-A (MPS4A). Also called: Morquio syndrome A, mild; MORQUIO SYNDROME A; GALACTOSAMINE-6-SULFATASE DEFICIENCY; GALNS DEFICIENCY; MORQUIO A DISEASE; Mucopolysaccharidosis type IV A. Identifiers: Orphanet 309297, Orphanet 582, MedGen C0086651, MONDO:0009659, OMIM 253000.

gnomAD v4.1: 1 of 1,613,332 alleles (0.000062%); highest among the groups gnomAD compares: East Asian, 0.0022%; no homozygotes.

Submission:

Labcorp Genetics (formerly Invitae), Labcorp
Classification: Uncertain significance for Mucopolysaccharidosis, MPS-IV-A. Last evaluated: 2025-06-26. Review status: criteria provided, single submitter. Criteria: Invitae Variant Classification Sherloc (09022015). Collection method: clinical testing. Allele origin: germline.
Comment: This sequence change replaces asparagine, which is neutral and polar, with serine, which is neutral and polar, at codon 101 of the GALNS protein (p.Asn101Ser). This variant is not present in population databases (gnomAD no frequency). This variant has not been reported in the literature in individuals affected with GALNS-related conditions. Invitae Evidence Modeling of protein sequence and biophysical properties (such as structural, functional, and spatial information, amino acid conservation, physicochemical variation, residue mobility, and thermodynamic stability) indicates that this missense variant is expected to disrupt GALNS protein function with a positive predictive value of 95%. In summary, the available evidence is currently insufficient to determine the role of this variant in disease. Therefore, it has been classified as a Variant of Uncertain Significance.